The following is an entry in ClinVar:

ClinVar aggregate classification (germline): Conflicting classifications of pathogenicity. Review status: criteria provided, conflicting classifications (1 of 4 stars). 9 submissions from 9 submitters: Uncertain significance (7); Likely benign (2). Last evaluated 2026-05-20.

Conditions:
APC-related disorder. Also called: APC-related condition.
Hereditary cancer. Identifiers: MedGen C1333600.
Classic or attenuated familial adenomatous polyposis. Identifiers: MedGen CN372698, MONDO:0021057.
Hereditary cancer-predisposing syndrome. Also called: Neoplastic Syndromes, Hereditary; Tumor predisposition; Hereditary Cancer Syndrome; Hereditary neoplastic syndrome. Identifiers: Orphanet 140162, MedGen C0027672, MeSH D009386, MONDO:0015356.
Familial adenomatous polyposis 1 (FAP1). Also called: FAMILIAL ADENOMATOUS POLYPOSIS 1, ATTENUATED; POLYPOSIS, ADENOMATOUS INTESTINAL. Identifiers: MedGen C2713442, MONDO:0021056, OMIM 175100. Disease mechanism: loss of function.

Allele frequency attached by ClinVar (database versions not stated): gnomAD exomes below 0.00001; TOPMed below 0.00001; gnomAD 0.00001; 1000 Genomes Project 30x 0.00016; 1000 Genomes Project 0.00020.
gnomAD v4.1: 5 of 1,613,896 alleles (0.00031%); highest among the groups gnomAD compares: Admixed American, 0.005%; no homozygotes.

Submissions (9):

PreventionGenetics, part of Exact Sciences
Classification: Uncertain significance for APC-related condition. Last evaluated: 2026-05-20. Review status: criteria provided, single submitter. Criteria: ACMG Guidelines, 2015. Collection method: clinical testing. Allele origin: germline.
Comment: The APC c.2642C>T variant is predicted to result in the amino acid substitution p.Ser881Phe. This variant was reported in an individual with breast cancer (Supp. Table 3, Guindalini et al. 2022. PubMed ID: 35264596) and in controls from a colon cancer study (Rosenthal et al. 2018. PubMed ID: 30267214). This variant is reported in 0.0065% of alleles in individuals of European (Non-Finnish) descent in gnomAD. This variant has conflicting interpretations in ClinVar ranging from uncertain to likely benign (Variation ID: 219437). At this time, the clinical significance of this variant is uncertain due to the absence of conclusive functional and genetic evidence.

Center for Genomic Medicine, Rigshospitalet, Copenhagen University Hospital
Classification: Likely benign. Last evaluated: 2025-12-29. Review status: criteria provided, single submitter. Criteria: ACMG Guidelines, 2015. Collection method: clinical testing. Allele origin: germline.
Comment: Classification criteria: BS1, BP1

Labcorp Genetics (formerly Invitae), Labcorp
Classification: Uncertain significance for Familial adenomatous polyposis 1. Last evaluated: 2025-12-17. Review status: criteria provided, single submitter. Criteria: Invitae Variant Classification Sherloc (09022015). Collection method: clinical testing. Allele origin: germline.
Comment: This sequence change replaces serine, which is neutral and polar, with phenylalanine, which is neutral and non-polar, at codon 881 of the APC protein (p.Ser881Phe). This variant is present in population databases (rs535344579, gnomAD 0.007%). This variant has not been reported in the literature in individuals affected with APC-related conditions. ClinVar contains an entry for this variant (Variation ID: 219437). Invitae Evidence Modeling of protein sequence and biophysical properties (such as structural, functional, and spatial information, amino acid conservation, physicochemical variation, residue mobility, and thermodynamic stability) indicates that this missense variant is not expected to disrupt APC protein function with a negative predictive value of 95%. In summary, the available evidence is currently insufficient to determine the role of this variant in disease. Therefore, it has been classified as a Variant of Uncertain Significance.

GeneDx
Classification: Uncertain significance. Last evaluated: 2025-08-24. Review status: criteria provided, single submitter. Criteria: GeneDx Variant Classification Process June 2021. Collection method: clinical testing. Allele origin: germline. Affected: yes.
Comment: Not observed at significant frequency in large population cohorts (gnomAD); In silico analysis supports that this missense variant has a deleterious effect on protein structure/function; Observed in an individual with breast cancer (PMID: 35264596); This variant is associated with the following publications: (PMID: 30267214, 35264596)

All of Us Research Program, National Institutes of Health
Classification: Uncertain significance for Classic or attenuated familial adenomatous polyposis. Last evaluated: 2024-09-23. Review status: criteria provided, single submitter. Criteria: ACMG Guidelines, 2015. Collection method: clinical testing. Allele origin: germline. Inheritance: Autosomal dominant inheritance. Observed: 1 variant allele, 1 heterozygote.
Comment: This missense variant replaces serine with phenylalanine at codon 881 of the APC protein. Computational prediction is inconclusive regarding the impact of this variant on protein structure and function (internally defined REVEL score threshold 0.5 < inconclusive < 0.7, PMID: 27666373). To our knowledge, functional studies have not been reported for this variant. This variant has not been reported in individuals affected with hereditary cancer in the literature. This variant has been identified in 1/31358 chromosomes in the general population by the Genome Aggregation Database (gnomAD). The available evidence is insufficient to determine the role of this variant in disease conclusively. Therefore, this variant is classified as a Variant of Uncertain Significance.

This study involves interpretation of variants in research participants for the purpose of population health screening. Participant phenotype was not available at the time of variant classification. Additional details can be found in publication PMID: 35346344, PMCID: PMC8962531

Color Diagnostics, LLC DBA Color Health
Classification: Uncertain significance for Hereditary cancer-predisposing syndrome. Last evaluated: 2024-03-18. Review status: criteria provided, single submitter. Criteria: ACMG Guidelines, 2015. Collection method: clinical testing. Allele origin: germline.
Comment: This missense variant replaces serine with phenylalanine at codon 881 of the APC protein. Computational prediction is inconclusive regarding the impact of this variant on protein structure and function (internally defined REVEL score threshold 0.5 < inconclusive < 0.7, PMID: 27666373). To our knowledge, functional studies have not been reported for this variant. This variant has not been reported in individuals affected with APC-related disorders in the literature. This variant has been reported in an unaffected control individual in a colorectal cancer study (PMID: 30267214). This variant has been identified in 1/31358 chromosomes in the general population by the Genome Aggregation Database (gnomAD). The available evidence is insufficient to determine the role of this variant in disease conclusively. Therefore, this variant is classified as a Variant of Uncertain Significance.

Baylor Genetics
Classification: Uncertain significance for Familial adenomatous polyposis 1. Last evaluated: 2024-03-01. Review status: criteria provided, single submitter. Criteria: ACMG Guidelines, 2015. Collection method: clinical testing. Allele origin: unknown.

Ambry Genetics
Classification: Uncertain significance for Hereditary cancer-predisposing syndrome. Last evaluated: 2024-02-12. Review status: criteria provided, single submitter. Criteria: Ambry Variant Classification Scheme 2023. Collection method: clinical testing. Allele origin: germline.
Comment: The p.S881F variant (also known as c.2642C>T), located in coding exon 15 of the APC gene, results from a C to T substitution at nucleotide position 2642. The serine at codon 881 is replaced by phenylalanine, an amino acid with highly dissimilar properties. In one study, this variant was detected in 0/165 colorectal cancer and/or polyposis patients and was identified in control individual(s) from a healthy population database (Rosenthal EA et al. Hum Genet, 2018 Oct;137:795-806). This amino acid position is not well conserved in available vertebrate species. In addition, in silico predictors for this gene do not accurately predict pathogenicity. Based on the available evidence, the clinical significance of this alteration remains unclear.

Mendelics
Classification: Likely benign for Hereditary cancer. Last evaluated: 2024-01-23. Review status: criteria provided, single submitter. Criteria: ACMG Guidelines, 2015. Collection method: clinical testing. Allele origin: unknown.

Literature cited by the submitters: PubMed 30267214 (cited by Color Diagnostics, LLC DBA Color Health and Ambry Genetics).

NM_000038.6(APC):c.2642C>T (p.Ser881Phe)

Gene: APC (APC regulator of Wnt signaling pathway; plus strand). Cytogenetic location: 5q22.2.
Variant type: single nucleotide variant.
Coding change: c.2642C>T on transcript NM_000038.6 (MANE Select); coding-DNA position 2642, C replaced by T.
Protein change: p.Ser881Phe; replaces serine 881 with phenylalanine.
Molecular consequence: missense variant.
Genome position (GRCh38, 1-based): chr5:112,838,236, C>T. VCF-style: chr5-112838236-C-T. GRCh37 (hg19) VCF-style: chr5-112173933-C-T.
Other names: c.2642C>T, p.Ser881Phe (NM_001127510.3, NM_001354895.2); c.2588C>T, p.Ser863Phe (NM_001127511.3); c.2696C>T, p.Ser899Phe (NM_001354896.2); c.2672C>T, p.Ser891Phe (NM_001354897.2); c.2567C>T, p.Ser856Phe (NM_001354898.2); c.2558C>T, p.Ser853Phe (NM_001354899.2); c.2519C>T, p.Ser840Phe (NM_001354900.2); c.2465C>T, p.Ser822Phe (NM_001354901.2); and 5 more; short protein forms S863F, S881F, S755F, S790F, S822F, S840F, S891F, S721F.
Identifiers: ClinVar variation 219437 (VCV000219437.30), dbSNP rs535344579, ClinGen allele CA348575.